The following is an entry in ClinVar:

NM_175875.5(SIX5):c.116T>C (p.Leu39Ser)

Genes: DM1-AS (DM1 locus antisense RNA; plus strand), SIX5 (SIX homeobox 5; minus strand), LOC107075317 (origin of replication in DMPK trinucleotide repeat region; plus strand), LOC129929037 (ATAC-STARR-seq lymphoblastoid silent region 10794; plus strand). Cytogenetic location: 19q13.32.
Variant type: single nucleotide variant.
Coding change: c.116T>C on transcript NM_175875.5 (MANE Select); coding-DNA position 116, T replaced by C.
Protein change: p.Leu39Ser; replaces leucine 39 with serine.
Molecular consequence: missense variant.
Genome position (GRCh38, 1-based): chr19:45,768,729, A>G on the plus strand (T>C on the coding strand, the complement: SIX5 is on the minus strand). VCF-style: chr19-45768729-A-G. GRCh37 (hg19) VCF-style: chr19-46271987-A-G.
Other names: short protein forms L39S.
Identifiers: ClinVar variation 3620434 (VCV003620434.2).

ClinVar aggregate classification (germline): Uncertain significance (1 of 4 stars; one submission).

Submission:

Labcorp Genetics (formerly Invitae), Labcorp
Classification: Uncertain significance. Last evaluated: 2024-08-08. Review status: criteria provided, single submitter. Criteria: Invitae Variant Classification Sherloc (09022015). Collection method: clinical testing. Allele origin: germline.
Comment: This sequence change replaces leucine, which is neutral and non-polar, with serine, which is neutral and polar, at codon 39 of the SIX5 protein (p.Leu39Ser). The frequency data for this variant in the population databases is considered unreliable, as metrics indicate poor data quality at this position in the gnomAD database. This variant has not been reported in the literature in individuals affected with SIX5-related conditions. Experimental studies and prediction algorithms are not available or were not evaluated, and the functional significance of this variant is currently unknown. In summary, the available evidence is currently insufficient to determine the role of this variant in disease. Therefore, it has been classified as a Variant of Uncertain Significance.